The following is an entry in ClinVar:

ClinVar aggregate classification (germline): Likely pathogenic (1 of 4 stars; one submission).

Conditions:
TGFBR1-related disorder. Also called: TGFBR1-related condition.

Submission:

PreventionGenetics, part of Exact Sciences
Classification: Likely pathogenic for TGFBR1-related condition. Last evaluated: 2026-05-01. Review status: criteria provided, single submitter. Criteria: ACMG Guidelines, 2015. Collection method: clinical testing. Allele origin: germline.
Comment: The TGFBR1 c.829_831delinsCGT variant is predicted to result in an in-frame deletion and insertion. To our knowledge, this variant has not been reported in the literature or in a large population database (gnomAD), indicating this variant is rare. This variant is interpreted as likely pathogenic.

NM_004612.4(TGFBR1):c.829_831delinsCGT (p.Trp277Arg)

Gene: TGFBR1 (transforming growth factor beta receptor 1; plus strand). Cytogenetic location: 9q22.33.
Variant type: Indel.
Coding change: c.829_831delinsCGT on transcript NM_004612.4 (MANE Select); coding-DNA positions 829 to 831, TGG replaced by CGT.
Protein change: p.Trp277Arg; replaces tryptophan 277 with arginine.
Molecular consequence: missense variant. On other transcripts: non-coding transcript variant (4), intron variant (2).
Genome position (GRCh38, 1-based): chr9:99,142,559-99,142,561, TGG replaced by CGT. VCF-style: chr9-99142559-TGG-CGT. GRCh37 (hg19) VCF-style: chr9-101904841-TGG-CGT.
Other names: c.598_600delinsCGT, p.Trp200Arg (NM_001130916.3, NM_001407435.1); c.841_843delinsCGT, p.Trp281Arg (NM_001306210.2); c.634_636delinsCGT, p.Trp212Arg (NM_001407418.1, NM_001407419.1, NM_001407420.1 and 1 more transcripts); c.622_624delinsCGT, p.Trp208Arg (NM_001407423.1, NM_001407424.1, NM_001407425.1 and 8 more transcripts); c.583_585delinsCGT, p.Trp195Arg (NM_001407436.1); c.121_123delinsCGT, p.Trp41Arg (NM_001407437.1); c.352_354delinsCGT, p.Trp118Arg (NM_001407438.1); c.818-2173_818-2171delinsCGT (NM_001407416.1); and 1 more; short protein forms W118R, W277R, W195R, W212R, W208R, W281R, W200R, W41R.
Identifiers: ClinVar variation 4991079 (VCV004991079.1).